The following is an entry in ClinVar:

NM_001277058.2(ERCC6):c.2286C>T (p.Gly762=)

Genes: ERCC6 (ERCC excision repair 6, chromatin remodeling factor; minus strand), PGBD3 (piggyBac transposable element derived 3; minus strand). Cytogenetic location: 10q11.23.
Variant type: single nucleotide variant.
Coding change: c.2286C>T on transcript NM_001277058.2 (MANE Plus Clinical); coding-DNA position 2286, C replaced by T.
Protein change: p.Gly762=; no amino-acid change (glycine 762 retained).
Molecular consequence: synonymous variant. On other transcripts: intron variant (2).
Genome position (GRCh38, 1-based): chr10:49,516,233, G>A on the plus strand (C>T on the coding strand, the complement: ERCC6 is on the minus strand). VCF-style: chr10-49516233-G-A. GRCh37 (hg19) VCF-style: chr10-50724279-G-A.
Other names: c.2286C>T, p.Gly762= (NM_001277059.2); c.882C>T, p.Gly294= (NM_170753.3); c.1397+7800C>T (NM_001346440.2, NM_000124.4).
Identifiers: ClinVar variation 4999425 (VCV004999425.1).

ClinVar aggregate classification (germline): Likely benign (1 of 4 stars; one submission).

Conditions:
ERCC6-related disorder. Also called: ERCC6-related disorders; ERCC6-related condition. Identifiers: MedGen CN239385.

Submission:

PreventionGenetics, part of Exact Sciences
Classification: Likely benign for ERCC6-related condition. Last evaluated: 2026-08-28. Review status: criteria provided, single submitter. Criteria: ACMG Guidelines, 2015. Collection method: clinical testing. Allele origin: germline.
Comment: This variant is classified as likely benign based on ACMG/AMP sequence variant interpretation guidelines (Richards et al. 2015 PMID: 25741868, with internal and published modifications).